The following is an entry in ClinVar:

NM_181332.3(NLGN4X):c.1897T>G (p.Trp633Gly)

Gene: NLGN4X (neuroligin 4 X-linked; minus strand). Cytogenetic location: Xp22.32.
Variant type: single nucleotide variant.
Coding change: c.1897T>G on transcript NM_181332.3 (MANE Select); coding-DNA position 1897, T replaced by G.
Protein change: p.Trp633Gly; replaces tryptophan 633 with glycine.
Molecular consequence: missense variant.
Genome position (GRCh38, 1-based): chrX:5,893,371, A>C on the plus strand (T>G on the coding strand, the complement: NLGN4X is on the minus strand). VCF-style: chrX-5893371-A-C. GRCh37 (hg19) VCF-style: chrX-5811412-A-C.
Other names: c.1897T>G, p.Trp633Gly (NM_001282145.2, NM_001282146.2, NM_020742.4); short protein forms W633G.
Identifiers: ClinVar variation 3899406 (VCV003899406.1).

ClinVar aggregate classification (germline): Uncertain significance (1 of 4 stars; one submission).

Submission:

GeneDx
Classification: Uncertain significance. Last evaluated: 2024-11-16. Review status: criteria provided, single submitter. Criteria: GeneDx Variant Classification Process June 2021. Collection method: clinical testing. Allele origin: germline. Affected: yes.
Comment: Not observed at significant frequency in large population cohorts (gnomAD); In silico analysis supports that this missense variant has a deleterious effect on protein structure/function; Has not been previously published as pathogenic or benign to our knowledge